The following is an entry in ClinVar:

NM_014363.6(SACS):c.4665A>C (p.Lys1555Asn)

Gene: SACS (sacsin molecular chaperone; minus strand). Cytogenetic location: 13q12.12.
Variant type: single nucleotide variant.
Coding change: c.4665A>C on transcript NM_014363.6 (MANE Select); coding-DNA position 4665, A replaced by C.
Protein change: p.Lys1555Asn; replaces lysine 1555 with asparagine.
Molecular consequence: missense variant.
Genome position (GRCh38, 1-based): chr13:23,339,211, T>G on the plus strand (A>C on the coding strand, the complement: SACS is on the minus strand). VCF-style: chr13-23339211-T-G. GRCh37 (hg19) VCF-style: chr13-23913350-T-G.
Other names: c.4224A>C, p.Lys1408Asn (NM_001278055.2); c.4665A>C (NM_014363.4); short protein forms K1408N, K1555N.
Identifiers: ClinVar variation 641146 (VCV000641146.6), dbSNP rs769852897, ClinGen allele CA6911361.

ClinVar aggregate classification (germline): Uncertain significance. Review status: criteria provided, multiple submitters, no conflicts (2 of 4 stars). 2 submissions from 2 submitters: Uncertain significance (2). Last evaluated 2023-12-06.

Conditions:
Spastic paraplegia. Identifiers: MedGen C0037772, HP:0001258.

Allele frequency attached by ClinVar (database versions not stated): ExAC 0.00002; gnomAD exomes 0.00001; gnomAD 0.00001; TOPMed 0.00002.
gnomAD v4.1: 8 of 1,611,266 alleles (0.0005%); highest among the groups gnomAD compares: Non-Finnish European, 0.00068%; no homozygotes.

Submissions (2):

GeneDx
Classification: Uncertain significance. Last evaluated: 2023-12-06. Review status: criteria provided, single submitter. Criteria: GeneDx Variant Classification Process June 2021. Collection method: clinical testing. Allele origin: germline. Affected: yes.
Comment: Not observed at significant frequency in large population cohorts (gnomAD); In silico analysis supports that this missense variant has a deleterious effect on protein structure/function; Has not been previously published as pathogenic or benign to our knowledge

Labcorp Genetics (formerly Invitae), Labcorp
Classification: Uncertain significance for Spastic paraplegia. Last evaluated: 2021-08-28. Review status: criteria provided, single submitter. Criteria: Invitae Variant Classification Sherloc (09022015). Collection method: clinical testing. Allele origin: germline.
Comment: This sequence change replaces lysine with asparagine at codon 1555 of the SACS protein (p.Lys1555Asn). The lysine residue is highly conserved and there is a moderate physicochemical difference between lysine and asparagine. This variant is present in population databases (rs769852897, ExAC 0.003%). This variant has not been reported in the literature in individuals affected with SACS-related conditions. Algorithms developed to predict the effect of missense changes on protein structure and function are either unavailable or do not agree on the potential impact of this missense change (SIFT: "Deleterious"; PolyPhen-2: "Probably Damaging"; Align-GVGD: "Class C0"). In summary, the available evidence is currently insufficient to determine the role of this variant in disease. Therefore, it has been classified as a Variant of Uncertain Significance.